The following is an entry in ClinVar:

NM_001018116.2(CAVIN4):c.895A>G (p.Arg299Gly)

Gene: CAVIN4 (caveolae associated protein 4; plus strand). Cytogenetic location: 9q31.1.
Variant type: single nucleotide variant.
Coding change: c.895A>G on transcript NM_001018116.2 (MANE Select); coding-DNA position 895, A replaced by G.
Protein change: p.Arg299Gly; replaces arginine 299 with glycine.
Molecular consequence: missense variant.
Genome position (GRCh38, 1-based): chr9:100,586,251, A>G. VCF-style: chr9-100586251-A-G. GRCh37 (hg19) VCF-style: chr9-103348533-A-G.
Other names: short protein forms R299G.
Identifiers: ClinVar variation 1309467 (VCV001309467.2), dbSNP rs375965738, ClinGen allele CA5160181.

ClinVar aggregate classification (germline): Uncertain significance (1 of 4 stars; one submission).

Allele frequency attached by ClinVar (database versions not stated): ExAC 0.00002; ESP Exome Variant Server 0.00008.

Submission:

GeneDx
Classification: Uncertain significance. Last evaluated: 2019-10-15. Review status: criteria provided, single submitter. Criteria: GeneDx Variant Classification Process June 2021. Collection method: clinical testing. Allele origin: germline. Affected: yes.
Comment: Has not been previously published as pathogenic or benign to our knowledge; Not observed at a significant frequency in large population cohorts (Lek et al., 2016); In silico analysis, which includes protein predictors and evolutionary conservation, supports that this variant does not alter protein structure/function